The following is an entry in ClinVar:

NM_005560.6(LAMA5):c.9970C>T (p.Arg3324Trp)

Gene: LAMA5 (laminin subunit alpha 5; minus strand). Cytogenetic location: 20q13.33.
Variant type: single nucleotide variant.
Coding change: c.9970C>T on transcript NM_005560.6 (MANE Select); coding-DNA position 9970, C replaced by T.
Protein change: p.Arg3324Trp; replaces arginine 3324 with tryptophan.
Molecular consequence: missense variant.
Genome position (GRCh38, 1-based): chr20:62,311,280, G>A on the plus strand (C>T on the coding strand, the complement: LAMA5 is on the minus strand). VCF-style: chr20-62311280-G-A. GRCh37 (hg19) VCF-style: chr20-60886336-G-A.
Other names: short protein forms R3324W.
Identifiers: ClinVar variation 1421628 (VCV001421628.5), dbSNP rs115237398, ClinGen allele CA9939975.
Genomic context (GRCh38, chr20:62,311,280, plus strand): 5'-CAAACTGGTAGGAGTCTCGGGTGGTCCTGAGGTGTGGGGGCAGCATGCAGGCAGGATGCC[G>A]GGCGGGCTGACGGCTGCGGCGGGAGGCCTGGGGGCGTGGATGGTGAATGCAGGGGCCGCC-3'
Protein context (NP_005551.3, residues 3314-3334): KASRRSRQPA[Arg3324Trp]HPACMLPPHL

ClinVar aggregate classification (germline): Uncertain significance (1 of 4 stars; one submission).

Allele frequency attached by ClinVar (database versions not stated): ESP Exome Variant Server 0.00023; gnomAD 0.00033; TOPMed 0.00038; 1000 Genomes Project 30x 0.00062; 1000 Genomes Project 0.00080.
gnomAD v4.1: 142 of 1,597,084 alleles (0.0089%); highest among the groups gnomAD compares: African/African-American, 0.11%; no homozygotes.

Submission:

Labcorp Genetics (formerly Invitae), Labcorp
Classification: Uncertain significance. Last evaluated: 2024-06-03. Review status: criteria provided, single submitter. Criteria: Invitae Variant Classification Sherloc (09022015). Collection method: clinical testing. Allele origin: germline.
Comment: This sequence change replaces arginine, which is basic and polar, with tryptophan, which is neutral and slightly polar, at codon 3324 of the LAMA5 protein (p.Arg3324Trp). This variant is present in population databases (rs115237398, gnomAD 0.1%). This variant has not been reported in the literature in individuals affected with LAMA5-related conditions. ClinVar contains an entry for this variant (Variation ID: 1421628). An algorithm developed to predict the effect of missense changes on protein structure and function (PolyPhen-2) suggests that this variant¬†is likely to be tolerated. In summary, the available evidence is currently insufficient to determine the role of this variant in disease. Therefore, it has been classified as a Variant of Uncertain Significance.